The following is an entry in ClinVar:

NM_001048174.2(MUTYH):c.468del (p.Arg157fs)

Gene: MUTYH (mutY DNA glycosylase; minus strand). Cytogenetic location: 1p34.1.
Variant type: Deletion.
Coding change: c.468del on transcript NM_001048174.2 (MANE Select); coding-DNA position 468, one base deleted (G; older notation c.468delG).
Protein change: p.Arg157fs; shifts the reading frame from arginine 157.
Molecular consequence: frameshift variant. On other transcripts: non-coding transcript variant (7).
Genome position (GRCh38, 1-based): chr1:45,332,787, C deleted on the plus strand (G on the coding strand, the reverse complement: MUTYH is on the minus strand); the first of 2 consecutive C bases (chr1:45,332,787-45,332,788); deleting either gives the same sequence. VCF-style (leftmost placement, unchanged base first): chr1-45332786-GC-G. GRCh37 (hg19) VCF-style: chr1-45798458-GC-G.
Other names: c.192del, p.Arg65fs (NM_001407091.1, NM_001293192.2, NM_001293196.2); c.543del, p.Arg182fs (NM_012222.3); c.489del, p.Arg164fs (NM_001407087.1); c.468del, p.Arg157fs (NM_001407088.1, NM_001407089.1, NM_001048171.2 and 6 more transcripts); c.471del, p.Arg158fs (NM_001048172.2, NM_001407071.1, NM_001407078.1 and 1 more transcripts); c.552del, p.Arg185fs (NM_001128425.2); c.513del, p.Arg172fs (NM_001293190.2); c.501del, p.Arg168fs (NM_001293191.2, NM_001407069.1, NM_001407077.1); and 5 more; short protein forms R157fs, R171fs, R182fs, R185fs, R42fs, R129fs, R158fs, R168fs.
Identifiers: ClinVar variation 4739517 (VCV004739517.1).

ClinVar aggregate classification (germline): Pathogenic (1 of 4 stars; one submission).

Conditions:
Familial adenomatous polyposis 2. Also called: FAP type 2; COLORECTAL ADENOMATOUS POLYPOSIS, AUTOSOMAL RECESSIVE; ADENOMAS, MULTIPLE COLORECTAL, AUTOSOMAL RECESSIVE; MYH-associated polyposis; MUTYH Polyposis; Adenomas, multiple colorectal. Identifiers: Orphanet 220460, Orphanet 247798, MedGen C3272841, MONDO:0012041, OMIM 608456.

Submission:

Labcorp Genetics (formerly Invitae), Labcorp
Classification: Pathogenic for Familial adenomatous polyposis 2. Last evaluated: 2026-01-06. Review status: criteria provided, single submitter. Criteria: Invitae Variant Classification Sherloc (09022015). Collection method: clinical testing. Allele origin: germline.
Comment: This sequence change creates a premature translational stop signal (p.Arg185Glyfs*10) in the MUTYH gene. It is expected to result in an absent or disrupted protein product. Loss-of-function variants in MUTYH are known to be pathogenic (PMID: 18534194, 20663686). This variant is not present in population databases (gnomAD no frequency). This variant has not been reported in the literature in individuals affected with MUTYH-related conditions. For these reasons, this variant has been classified as Pathogenic.

Literature cited by the submitters: PubMed 18534194; PubMed 20663686.